The following is an entry in ClinVar:

ClinVar aggregate classification (germline): Uncertain significance (1 of 4 stars; one submission).

Conditions:
Kabuki syndrome. Also called: NIIKAWA-KUROKI SYNDROME; Kabuki make-up syndrome. Identifiers: Orphanet 2322, MedGen C0796004, MONDO:0016512.

Allele frequency attached by ClinVar (database versions not stated): 1000 Genomes Project 30x 0.00016.
gnomAD v4.1: 4 of 1,599,438 alleles (0.00025%); highest among the groups gnomAD compares: South Asian, 0.0034%; no homozygotes.

Submission:

Labcorp Genetics (formerly Invitae), Labcorp
Classification: Uncertain significance for Kabuki syndrome. Last evaluated: 2023-02-04. Review status: criteria provided, single submitter. Criteria: Invitae Variant Classification Sherloc (09022015). Collection method: clinical testing. Allele origin: germline.
Comment: In summary, the available evidence is currently insufficient to determine the role of this variant in disease. Therefore, it has been classified as a Variant of Uncertain Significance. Advanced modeling of protein sequence and biophysical properties (such as structural, functional, and spatial information, amino acid conservation, physicochemical variation, residue mobility, and thermodynamic stability) performed at Invitae indicates that this missense variant is not expected to disrupt KMT2D protein function. This variant has not been reported in the literature in individuals affected with KMT2D-related conditions. This variant is not present in population databases (gnomAD no frequency). This sequence change replaces glycine, which is neutral and non-polar, with valine, which is neutral and non-polar, at codon 4373 of the KMT2D protein (p.Gly4373Val).

NM_003482.4(KMT2D):c.13118G>T (p.Gly4373Val)

Gene: KMT2D (lysine methyltransferase 2D; minus strand). Cytogenetic location: 12q13.12.
Variant type: single nucleotide variant.
Coding change: c.13118G>T on transcript NM_003482.4 (MANE Select); coding-DNA position 13118, G replaced by T.
Protein change: p.Gly4373Val; replaces glycine 4373 with valine.
Molecular consequence: missense variant.
Genome position (GRCh38, 1-based): chr12:49,031,587, C>A on the plus strand (G>T on the coding strand, the complement: KMT2D is on the minus strand). VCF-style: chr12-49031587-C-A. GRCh37 (hg19) VCF-style: chr12-49425370-C-A.
Other names: short protein forms G4373V.
Identifiers: ClinVar variation 2972533 (VCV002972533.3), dbSNP rs770966197, ClinGen allele CA6546069.